The following is an entry in ClinVar:

ClinVar aggregate classification (germline): Uncertain significance (1 of 4 stars; one submission).

Conditions:
Epilepsy, childhood absence, susceptibility to, 1. Also called: Epilepsy, childhood absence 1. Identifiers: Orphanet 64280, MedGen C1838604, MONDO:0020759, OMIM 600131.
Epilepsy, childhood absence, susceptibility to, 5. Identifiers: Orphanet 64280, MedGen C2677087, MONDO:0012843, OMIM 612269.

Allele frequency attached by ClinVar (database versions not stated): gnomAD 0.00001; gnomAD exomes 0.00001.
gnomAD v4.1: 11 of 1,614,152 alleles (0.00068%); highest among the groups gnomAD compares: South Asian, 0.0011%; no homozygotes.

Submission:

Labcorp Genetics (formerly Invitae), Labcorp
Classification: Uncertain significance for Epilepsy, childhood absence, susceptibility to, 5; Epilepsy, childhood absence, susceptibility to, 1. Last evaluated: 2023-02-14. Review status: criteria provided, single submitter. Criteria: Invitae Variant Classification Sherloc (09022015). Collection method: clinical testing. Allele origin: germline.
Comment: This sequence change replaces isoleucine, which is neutral and non-polar, with threonine, which is neutral and polar, at codon 367 of the GABRB3 protein (p.Ile367Thr). This variant is present in population databases (no rsID available, gnomAD 0.007%). This variant has not been reported in the literature in individuals affected with GABRB3-related conditions. Advanced modeling of protein sequence and biophysical properties (such as structural, functional, and spatial information, amino acid conservation, physicochemical variation, residue mobility, and thermodynamic stability) performed at Invitae indicates that this missense variant is not expected to disrupt GABRB3 protein function. In summary, the available evidence is currently insufficient to determine the role of this variant in disease. Therefore, it has been classified as a Variant of Uncertain Significance.

NM_000814.6(GABRB3):c.1100T>C (p.Ile367Thr)

Gene: GABRB3 (gamma-aminobutyric acid type A receptor subunit beta3; minus strand). Cytogenetic location: 15q12.
Variant type: single nucleotide variant.
Coding change: c.1100T>C on transcript NM_000814.6 (MANE Select); coding-DNA position 1100, T replaced by C.
Protein change: p.Ile367Thr; replaces isoleucine 367 with threonine.
Molecular consequence: missense variant.
Genome position (GRCh38, 1-based): chr15:26,548,115, A>G on the plus strand (T>C on the coding strand, the complement: GABRB3 is on the minus strand). VCF-style: chr15-26548115-A-G. GRCh37 (hg19) VCF-style: chr15-26793262-A-G.
Other names: c.845T>C, p.Ile282Thr (NM_001191320.2, NM_001278631.2); c.887T>C, p.Ile296Thr (NM_001191321.3); c.1100T>C, p.Ile367Thr (NM_021912.5); short protein forms I296T, I367T, I282T.
Identifiers: ClinVar variation 1935234 (VCV001935234.5), dbSNP rs1259967534, ClinGen allele CA391459423.